The following is an entry in ClinVar:

NM_175875.5(SIX5):c.1465C>T (p.Gln489Ter)

Gene: SIX5 (SIX homeobox 5; minus strand). Cytogenetic location: 19q13.32.
Variant type: single nucleotide variant.
Coding change: c.1465C>T on transcript NM_175875.5 (MANE Select); coding-DNA position 1465, C replaced by T.
Protein change: p.Gln489Ter; replaces glutamine 489 with a stop codon.
Molecular consequence: nonsense.
Genome position (GRCh38, 1-based): chr19:45,766,494, G>A on the plus strand (C>T on the coding strand, the complement: SIX5 is on the minus strand). VCF-style: chr19-45766494-G-A. GRCh37 (hg19) VCF-style: chr19-46269752-G-A.
Other names: short protein forms Q489*.
Identifiers: ClinVar variation 3007361 (VCV003007361.3), dbSNP rs1969077004, ClinGen allele CA406417873.

ClinVar aggregate classification (germline): Uncertain significance (1 of 4 stars; one submission).

Submission:

Labcorp Genetics (formerly Invitae), Labcorp
Classification: Uncertain significance. Last evaluated: 2022-12-23. Review status: criteria provided, single submitter. Criteria: Invitae Variant Classification Sherloc (09022015). Collection method: clinical testing. Allele origin: germline.
Comment: Algorithms developed to predict the effect of sequence changes on RNA splicing suggest that this variant may create or strengthen a splice site. In summary, the available evidence is currently insufficient to determine the role of this variant in disease. Therefore, it has been classified as a Variant of Uncertain Significance. This variant has not been reported in the literature in individuals affected with SIX5-related conditions. This sequence change creates a premature translational stop signal (p.Gln489*) in the SIX5 gene. It is expected to result in an absent or disrupted protein product. However, the current clinical and genetic evidence is not sufficient to establish whether loss-of-function variants in SIX5 cause disease. This variant is not present in population databases (gnomAD no frequency).